The following is an entry in ClinVar:

ClinVar aggregate classification (germline): Uncertain significance (1 of 4 stars; one submission).

Submission:

GeneDx
Classification: Uncertain significance. Last evaluated: 2022-03-18. Review status: criteria provided, single submitter. Criteria: GeneDx Variant Classification Process June 2021. Collection method: clinical testing. Allele origin: germline. Affected: yes.
Comment: Not observed at significant frequency in large population cohorts (gnomAD); Frameshift variant predicted to result in protein truncation or nonsense mediated decay in a gene for which loss-of-function is not a known mechanism of disease; Has not been previously published as pathogenic or benign to our knowledge; Variants in candidate genes are classified as variants of uncertain significance in accordance with ACMG guidelines (Richards et al., 2015)

NM_015057.5(MYCBP2):c.11540del (p.Asp3847fs)

Genes: MYCBP2 (MYC binding protein 2; minus strand), MYCBP2-AS1 (MYCBP2 antisense RNA 1; plus strand). Cytogenetic location: 13q22.3.
Variant type: Deletion.
Coding change: c.11540del on transcript NM_015057.5 (MANE Select); coding-DNA position 11540, one base deleted (A; older notation c.11540delA).
Protein change: p.Asp3847fs; shifts the reading frame from aspartic acid 3847.
Molecular consequence: frameshift variant.
Genome position (GRCh38, 1-based): chr13:77,077,332, T deleted on the plus strand (A on the coding strand, the reverse complement: MYCBP2 is on the minus strand). VCF-style (leftmost placement, unchanged base first): chr13-77077331-AT-A. GRCh37 (hg19) VCF-style: chr13-77651466-AT-A.
Other names: short protein forms D3847fs.
Identifiers: ClinVar variation 1712232 (VCV001712232.2), dbSNP rs2502797155, ClinGen allele CA2580087750.